The following is an entry in ClinVar:

NM_130837.3(OPA1):c.921C>T (p.Asp307=)

Gene: OPA1 (OPA1 mitochondrial dynamin like GTPase; plus strand). Cytogenetic location: 3q29.
Variant type: single nucleotide variant.
Coding change: c.921C>T on transcript NM_130837.3 (MANE Select); coding-DNA position 921, C replaced by T.
Protein change: p.Asp307=; no amino-acid change (aspartic acid 307 retained).
Molecular consequence: synonymous variant.
Genome position (GRCh38, 1-based): chr3:193,635,495, C>T. VCF-style: chr3-193635495-C-T. GRCh37 (hg19) VCF-style: chr3-193353284-C-T.
Other names: c.387C>T, p.Asp129= (NM_001354663.2); c.384C>T, p.Asp128= (NM_001354664.2); c.756C>T, p.Asp252= (NM_015560.3); c.648C>T, p.Asp216= (NM_130831.3); c.702C>T, p.Asp234= (NM_130832.3); c.759C>T, p.Asp253= (NM_130833.3); c.810C>T, p.Asp270= (NM_130834.3); c.813C>T, p.Asp271= (NM_130835.3); and 2 more.
Identifiers: ClinVar variation 381853 (VCV000381853.18), dbSNP rs147242797, ClinGen allele CA2759204.

ClinVar aggregate classification (germline): Conflicting classifications of pathogenicity. Review status: criteria provided, conflicting classifications (1 of 4 stars). 5 submissions from 5 submitters: Uncertain significance (1); Benign (1); Likely benign (2). 1 of the submissions does not count toward it. Last evaluated 2026-01-19.

Conditions:
OPA1-related disorder. Also called: OPA1-related disorders; OPA1-related condition.

Allele frequency attached by ClinVar (database versions not stated): ExAC 0.00010; TOPMed 0.00024; gnomAD 0.00028 and 0.00029; 1000 Genomes Project 30x 0.00031; 1000 Genomes Project 0.00040; ESP Exome Variant Server 0.00054.
gnomAD v4.1: 86 of 1,603,410 alleles (0.0054%); highest among the groups gnomAD compares: African/African-American, 0.1%; no homozygotes.

Submissions (5):

Labcorp Genetics (formerly Invitae), Labcorp
Classification: Benign. Last evaluated: 2026-01-19. Review status: criteria provided, single submitter. Criteria: Invitae Variant Classification Sherloc (09022015). Collection method: clinical testing. Allele origin: germline.

Blueprint Genetics
Classification: Likely benign. Last evaluated: 2022-05-08. Review status: criteria provided, single submitter. Criteria: ACMG Guidelines, 2015. Collection method: clinical testing. Allele origin: germline.

GeneDx
Classification: Likely benign. Last evaluated: 2020-10-22. Review status: criteria provided, single submitter. Criteria: GeneDx Variant Classification Process June 2021. Collection method: clinical testing. Allele origin: germline. Affected: yes.

Eurofins Ntd Llc (ga)
Classification: Uncertain significance. Last evaluated: 2018-03-27. Review status: criteria provided, single submitter. Criteria: EGL ClinVar v180209 classification definitions. Collection method: clinical testing. Allele origin: germline. Observed: 1 variant allele, 1 heterozygote.

PreventionGenetics, part of Exact Sciences
Classification: Likely benign for OPA1-related condition. Last evaluated: 2019-08-02. Review status: no assertion criteria provided. Collection method: clinical testing. Allele origin: germline. Not counted in ClinVar's aggregate classification.
Comment: This variant is classified as likely benign based on ACMG/AMP sequence variant interpretation guidelines (Richards et al. 2015 PMID: 25741868, with internal and published modifications).